The following is an entry in ClinVar:

NM_000368.5(TSC1):c.1987_1988delinsTT (p.Glu663Leu)

Gene: TSC1 (TSC complex subunit 1; minus strand). Cytogenetic location: 9q34.13.
Variant type: Indel.
Coding change: c.1987_1988delinsTT on transcript NM_000368.5 (MANE Select); coding-DNA positions 1987 to 1988, GA replaced by TT.
Protein change: p.Glu663Leu; replaces glutamic acid 663 with leucine.
Molecular consequence: missense variant. On other transcripts: non-coding transcript variant (5).
Genome position (GRCh38, 1-based): chr9:132,905,590-132,905,591, TC replaced by AA on the plus strand (GA replaced by TT on the coding strand, the reverse complement: TSC1 is on the minus strand). VCF-style: chr9-132905590-TC-AA. GRCh37 (hg19) VCF-style: chr9-135780977-TC-AA.
Other names: c.1621_1622delinsTT, p.Glu541Leu (NM_001406623.1, NM_001406625.1, NM_001406620.1 and 2 more transcripts); c.1624_1625delinsTT, p.Glu542Leu (NM_001406624.1, NM_001362177.2, NM_001406614.1 and 5 more transcripts); c.1036_1037delinsTT, p.Glu346Leu (NM_001406626.1); c.1033_1034delinsTT, p.Glu345Leu (NM_001406627.1, NM_001406628.1); c.934_935delinsTT, p.Glu312Leu (NM_001406629.1, NM_001406630.1); c.1984_1985delinsTT, p.Glu662Leu (NM_001162426.2, NM_001406597.1, NM_001406598.1 and 6 more transcripts); c.1834_1835delinsTT, p.Glu612Leu (NM_001162427.2, NM_001406610.1); c.1987_1988delinsTT, p.Glu663Leu (NM_001406592.1, NM_001406593.1, NM_001406594.1 and 7 more transcripts); and 1 more; short protein forms E662L, E312L, E345L, E612L, E541L, E542L, E663L, E346L.
Identifiers: ClinVar variation 2773059 (VCV002773059.3), dbSNP rs2538698195, ClinGen allele CA2697558152.
Genomic context (GRCh38, chr9:132,905,590, plus strand): 5'-TCACAATAAAATGGACCATTTAACACAGAAGAGAGTGCCCCAGTCCCTTACTTGTTCAGC[TC>AA]CTTGCTGTGCGCGTCTGCTCCCTGCTGTATCAGTCTGTCCAGCACTTCCATTGGGGAGGT-3'
Protein context (NP_000359.1, residues 653-673): IQQGADAHSK[Glu663Leu]LNKLPLPSKS

ClinVar aggregate classification (germline): Uncertain significance (1 of 4 stars; one submission).

Conditions:
Tuberous sclerosis 1 (TSC1). Identifiers: Orphanet 805, MedGen C1854465, MONDO:0008612, OMIM 191100.

Submission:

Labcorp Genetics (formerly Invitae), Labcorp
Classification: Uncertain significance for Tuberous sclerosis 1. Last evaluated: 2024-03-13. Review status: criteria provided, single submitter. Criteria: Invitae Variant Classification Sherloc (09022015). Collection method: clinical testing. Allele origin: germline.
Comment: This sequence change replaces glutamic acid, which is acidic and polar, with leucine, which is neutral and non-polar, at codon 663 of the TSC1 protein (p.Glu663Leu). Information on the frequency of this variant in the gnomAD database is not available, as this variant may be reported differently in the database. This variant has not been reported in the literature in individuals affected with TSC1-related conditions. An algorithm developed to predict the effect of missense changes on protein structure and function (PolyPhen-2) suggests that this variant is likely to be disruptive. In summary, the available evidence is currently insufficient to determine the role of this variant in disease. Therefore, it has been classified as a Variant of Uncertain Significance.